The following is an entry in ClinVar:

NM_001371596.2(MFSD8):c.754+1G>T

Gene: MFSD8 (major facilitator superfamily domain containing 8; minus strand). Cytogenetic location: 4q28.2.
Variant type: single nucleotide variant.
Coding change: c.754+1G>T on transcript NM_001371596.2 (MANE Select); the canonical splice donor site of the intron after coding-DNA position 754, G replaced by T.
Molecular consequence: splice donor variant. On other transcripts: intron variant (3).
Genome position (GRCh38, 1-based): chr4:127,938,782, C>A on the plus strand (G>T on the coding strand, the complement: MFSD8 is on the minus strand). VCF-style: chr4-127938782-C-A. GRCh37 (hg19) VCF-style: chr4-128859937-C-A.
Other names: c.472+1G>T (NM_001371595.1); c.304+4970G>T (NM_001410765.1); c.619+1G>T (NM_001371590.2); c.754+1G>T (NM_152778.4, NM_001371591.2); c.439+4970G>T (NM_001363521.3); c.640+1G>T (NM_001410766.1, NM_001371593.2); c.553+3263G>T (NM_001363520.3); c.607+1G>T (NM_001371594.2); and 1 more.
Identifiers: ClinVar variation 589240 (VCV000589240.15), dbSNP rs868732642, ClinGen allele CA105683267.
Genomic context (GRCh38, chr4:127,938,782, plus strand): 5'-CAGAATCATTAGAAACACTTTGATAATGTTATATTAATTCAGCCAAATGGGTTAAAAGTA[C>A]CTTCTTCAAAATTAATACTTTTACACTGTCTTCCTGAGTCATCCACACGATGTTCTCTTA-3'

ClinVar aggregate classification (germline): Pathogenic/Likely pathogenic. Review status: criteria provided, multiple submitters, no conflicts (2 of 4 stars). 5 submissions from 5 submitters: Pathogenic (4); Likely pathogenic (1). Last evaluated 2024-12-03.

Conditions:
Hereditary ataxia. Also called: Hereditary Ataxias. Identifiers: Orphanet 183518, MedGen C0004138, MONDO:0100309, MONDO:0000557.
Late-infantile neuronal ceroid lipofuscinosis. Also called: Jansky-Bielschowsky disease. Identifiers: MedGen C0022340, MONDO:0015674.
Inborn genetic diseases. Identifiers: MedGen C0950123, MeSH D030342.
Retinal dystrophy. Also called: Inherited retinal dystrophy. Identifiers: Orphanet 71862, MedGen C0854723, MeSH D058499, MONDO:0019118, HP:0000556.
Neuronal ceroid lipofuscinosis 7 (CLN7). Also called: MFSD8-Related Neuronal Ceroid-Lipofuscinosis. Identifiers: Orphanet 168491, Orphanet 228366, MedGen C1838571, MONDO:0012588, OMIM 610951.

Allele frequency attached by ClinVar (database versions not stated): TOPMed below 0.00001.
gnomAD v4.1: 7 of 1,606,360 alleles (0.00044%); highest among the groups gnomAD compares: South Asian, 0.0022%; no homozygotes.

Submissions (5):

Natera, Inc.
Classification: Pathogenic for Late-infantile neuronal ceroid lipofuscinosis. Last evaluated: 2024-12-03. Review status: criteria provided, single submitter. Criteria: Natera Variant Classification Schema (03/2026). Collection method: clinical testing. Allele origin: germline.
Comment: The c.754+1G>T variant in MFSD8 is a canonical splice donor site variant predicted to affect pre-mRNA splicing, which may result in an abnormal transcript and altered protein product. This variant is expected to result in nonsense mediated decay, truncation, or a dysfunctional protein product. This variant is rare in the general population with a frequency below the threshold expected for the associated phenotype(s). Another variant at this same site results in an alteration predicted to cause a similar molecular effect has been observed in individual(s) with the associated phenotype. Given the available evidence, this variant is classified as Pathogenic.

Labcorp Genetics (formerly Invitae), Labcorp
Classification: Pathogenic for Neuronal ceroid lipofuscinosis 7. Last evaluated: 2023-11-02. Review status: criteria provided, single submitter. Criteria: Invitae Variant Classification Sherloc (09022015). Collection method: clinical testing. Allele origin: germline.
Comment: This sequence change affects a donor splice site in intron 8 of the MFSD8 gene. It is expected to disrupt RNA splicing. Variants that disrupt the donor or acceptor splice site typically lead to a loss of protein function (PMID: 16199547), and loss-of-function variants in MFSD8 are known to be pathogenic (PMID: 19177532, 25227500, 28586915). This variant is not present in population databases (gnomAD no frequency). Disruption of this splice site has been observed in individuals with neuronal ceroid lipofuscinosis (PMID: 21990111). ClinVar contains an entry for this variant (Variation ID: 589240). Algorithms developed to predict the effect of sequence changes on RNA splicing suggest that this variant may disrupt the consensus splice site. For these reasons, this variant has been classified as Pathogenic.

Institute of Human Genetics, Univ. Regensburg, Univ. Regensburg
Classification: Pathogenic for Retinal dystrophy. Last evaluated: 2022-01-01. Review status: criteria provided, single submitter. Criteria: ACMG Guidelines, 2015. Collection method: clinical testing. Allele origin: germline. Affected: yes.

Cambridge Genomics Laboratory, East Genomic Laboratory Hub, NHS Genomic Medicine Service
Classification: Pathogenic for Hereditary ataxia. Last evaluated: 2020-05-14. Review status: criteria provided, single submitter. Criteria: ACGS Best Practice Guidelines for Variant Classification in Rare Disease 2020. Collection method: clinical testing. Allele origin: germline. Affected: yes. Observed: 1 variant allele.

Ambry Genetics
Classification: Likely pathogenic for Inborn genetic diseases. Last evaluated: 2016-12-21. Review status: criteria provided, single submitter. Criteria: Ambry Variant Classification Scheme 2023. Collection method: clinical testing. Allele origin: germline.
Comment: The c.754+1G>T intronic variant results from a G to T substitution one nucleotide after coding exon 7 of the MFSD8 gene. This nucleotide position is highly conserved in available vertebrate species. Using the BDGP and ESEfinder splice site prediction tools, this alteration is predicted to abolish the native splice donor site; however, direct evidence is unavailable. Alterations that disrupt the canonical splice donor site are typically deleterious in nature (ACMG Recommendations for Standards for Interpretation and Reporting of Sequence Variations. Revision 2007. Genet Med. 2008;10:294). As such, the c.754+1G>T variant is classified as likely pathogenic.

Literature cited by the submitters: PubMed 16199547 (cited by Labcorp Genetics (formerly Invitae), Labcorp); PubMed 19177532 (cited by Labcorp Genetics (formerly Invitae), Labcorp); PubMed 25227500 (cited by Labcorp Genetics (formerly Invitae), Labcorp); PubMed 28586915 (cited by Labcorp Genetics (formerly Invitae), Labcorp); PubMed 21990111 (cited by Labcorp Genetics (formerly Invitae), Labcorp and Ambry Genetics); PubMed 31589614 (cited by Institute of Human Genetics, Univ. Regensburg, Univ. Regensburg).